The following is an entry in ClinVar:

NM_000397.4(CYBB):c.1234G>A (p.Gly412Arg)

Gene: CYBB (cytochrome b-245 beta chain; plus strand). Cytogenetic location: Xp11.4.
Variant type: single nucleotide variant.
Coding change: c.1234G>A on transcript NM_000397.4 (MANE Select); coding-DNA position 1234, G replaced by A.
Protein change: p.Gly412Arg; replaces glycine 412 with arginine.
Molecular consequence: missense variant.
Genome position (GRCh38, 1-based): chrX:37,805,088, G>A. VCF-style: chrX-37805088-G-A. GRCh37 (hg19) VCF-style: chrX-37664341-G-A.
Other names: short protein forms G412R.
Identifiers: ClinVar variation 2737190 (VCV002737190.3), dbSNP rs2519209820, ClinGen allele CA412977783.

ClinVar aggregate classification (germline): Pathogenic (1 of 4 stars; one submission).

Conditions:
Granulomatous disease, chronic, X-linked. Also called: GRANULOMATOUS DISEASE, CHRONIC, X-LINKED, SOMATIC MOSAIC; CYTOCHROME b-NEGATIVE GRANULOMATOUS DISEASE, CHRONIC, X-LINKED. Identifiers: Orphanet 379, MedGen C1844376, MONDO:0010600, OMIM 306400.

Submission:

Labcorp Genetics (formerly Invitae), Labcorp
Classification: Pathogenic for Granulomatous disease, chronic, X-linked. Last evaluated: 2023-06-03. Review status: criteria provided, single submitter. Criteria: Invitae Variant Classification Sherloc (09022015). Collection method: clinical testing. Allele origin: germline.
Comment: This missense change has been observed in individuals with chronic granulomatous disease (PMID: 20729109, 30470980, 32040803, 35140711, 35874699). For these reasons, this variant has been classified as Pathogenic. This variant disrupts the p.Gly412 amino acid residue in CYBB. Other variant(s) that disrupt this residue have been observed in individuals with CYBB-related conditions (PMID: 29560547, 32040803), which suggests that this may be a clinically significant amino acid residue. Advanced modeling of protein sequence and biophysical properties (such as structural, functional, and spatial information, amino acid conservation, physicochemical variation, residue mobility, and thermodynamic stability) performed at Invitae indicates that this missense variant is expected to disrupt CYBB protein function. This variant is not present in population databases (gnomAD no frequency). This sequence change replaces glycine, which is neutral and non-polar, with arginine, which is basic and polar, at codon 412 of the CYBB protein (p.Gly412Arg).

Literature cited by the submitters: PubMed 20729109; PubMed 30470980; PubMed 32040803; PubMed 35140711; PubMed 35874699; PubMed 29560547.